The following is an entry in ClinVar:

ClinVar aggregate classification (germline): Likely pathogenic (1 of 4 stars; one submission).

Conditions:
Gray platelet syndrome (GPS). Also called: BLEEDING DISORDER, PLATELET-TYPE, 4. Identifiers: Orphanet 721, MedGen C0272302, MONDO:0007686, OMIM 139090.

Submission:

Juno Genomics, Hangzhou Juno Genomics, Inc
Classification: Likely pathogenic for Gray platelet syndrome. Review status: criteria provided, single submitter. Criteria: ACMG Guidelines, 2015. Collection method: clinical testing. Allele origin: germline.
Comment: Null variant in a gene where loss of function (LOF) is a known mechanism of disease.;Absent from controls (or at extremely low frequency if recessive) in Genome Aggregation Database.

NM_015175.3(NBEAL2):c.5677G>T (p.Glu1893Ter)

Gene: NBEAL2 (neurobeachin like 2; plus strand). Cytogenetic location: 3p21.31.
Variant type: single nucleotide variant.
Coding change: c.5677G>T on transcript NM_015175.3 (MANE Select); coding-DNA position 5677, G replaced by T.
Protein change: p.Glu1893Ter; replaces glutamic acid 1893 with a stop codon.
Molecular consequence: nonsense.
Genome position (GRCh38, 1-based): chr3:47,003,266, G>T. VCF-style: chr3-47003266-G-T. GRCh37 (hg19) VCF-style: chr3-47044756-G-T.
Other names: c.5575G>T, p.Glu1859Ter (NM_001365116.2); short protein forms E1893*, E1859*.
Identifiers: ClinVar variation 5006625 (VCV005006625.2).